The following is an entry in ClinVar:

NM_024407.5(NDUFS7):c.38G>T (p.Arg13Leu)

Gene: NDUFS7 (NADH:ubiquinone oxidoreductase core subunit S7; plus strand). Cytogenetic location: 19p13.3.
Variant type: single nucleotide variant.
Coding change: c.38G>T on transcript NM_024407.5 (MANE Select); coding-DNA position 38, G replaced by T.
Protein change: p.Arg13Leu; replaces arginine 13 with leucine.
Molecular consequence: missense variant.
Genome position (GRCh38, 1-based): chr19:1,387,832, G>T. VCF-style: chr19-1387832-G-T. GRCh37 (hg19) VCF-style: chr19-1387831-G-T.
Other names: c.38G>T, p.Arg13Leu (NM_001363602.2); short protein forms R13L.
Identifiers: ClinVar variation 1491215 (VCV001491215.5), dbSNP rs373814004, ClinGen allele CA402982347.
Genomic context (GRCh38, chr19:1,387,832, plus strand): 5'-CCGCAGCTCACTGTTCCCACCCCGTGGTCCTCTCTGCAGCTCCTGGCCTGCGCGGCTTCC[G>T]GATCCTTGGTCTGCGGTGAGTGCCTGAGTCTCCAGCCCTCAGCTGGGAGGGGCCTTCAGC-3'
Protein context (NP_077718.3, residues 3-23): VLSAPGLRGF[Arg13Leu]ILGLRSSVGP

ClinVar aggregate classification (germline): Uncertain significance (1 of 4 stars; one submission).

gnomAD v4.1: 1 of 1,610,078 alleles (0.000062%); highest among the groups gnomAD compares: Non-Finnish European, 0.000085%; no homozygotes.

Submission:

Labcorp Genetics (formerly Invitae), Labcorp
Classification: Uncertain significance. Last evaluated: 2022-02-03. Review status: criteria provided, single submitter. Criteria: Invitae Variant Classification Sherloc (09022015). Collection method: clinical testing. Allele origin: germline.
Comment: This sequence change replaces arginine, which is basic and polar, with leucine, which is neutral and non-polar, at codon 13 of the NDUFS7 protein (p.Arg13Leu). This variant is not present in population databases (gnomAD no frequency). This variant has not been reported in the literature in individuals affected with NDUFS7-related conditions. Algorithms developed to predict the effect of missense changes on protein structure and function (SIFT, PolyPhen-2, Align-GVGD) all suggest that this variant is likely to be tolerated. In summary, the available evidence is currently insufficient to determine the role of this variant in disease. Therefore, it has been classified as a Variant of Uncertain Significance.